The following is an entry in ClinVar:

NM_004369.4(COL6A3):c.647G>C (p.Cys216Ser)

Gene: COL6A3 (collagen type VI alpha 3 chain; minus strand). Cytogenetic location: 2q37.3.
Variant type: single nucleotide variant.
Coding change: c.647G>C on transcript NM_004369.4 (MANE Select); coding-DNA position 647, G replaced by C.
Protein change: p.Cys216Ser; replaces cysteine 216 with serine.
Molecular consequence: missense variant. On other transcripts: intron variant (4).
Genome position (GRCh38, 1-based): chr2:237,394,649, C>G on the plus strand (G>C on the coding strand, the complement: COL6A3 is on the minus strand). VCF-style: chr2-237394649-C-G. GRCh37 (hg19) VCF-style: chr2-238303292-C-G.
Other names: c.91+2078G>C (NM_057166.5, NM_057167.4, NM_057164.5 and 1 more transcripts); short protein forms C216S.
Identifiers: ClinVar variation 1718088 (VCV001718088.6), dbSNP rs2469972116, ClinGen allele CA351226582.
Genomic context (GRCh38, chr2:237,394,649, plus strand): 5'-GTGATGTCTTTAAGGGTTTCCGTGTCCCCAGCCCTTTCTGGACTCACGGATGAATGCACA[C>G]AGGACACTAAGTTTCCTACTATGTCATGAAGTGAGGTAAAATTCTCTAGGTTGAACATAT-3'
Protein context (NP_004360.2, residues 206-226): LHDIVGNLVS[Cys216Ser]VHSSVSPERA

ClinVar aggregate classification (germline): Uncertain significance (1 of 4 stars; one submission).

Conditions:
Bethlem myopathy 1A. Also called: MYOPATHY, BENIGN CONGENITAL, WITH CONTRACTURES; Bethlem Muscular Dystrophy; Bethlem myopathy 1. Identifiers: Orphanet 610, MedGen CN029274, MONDO:0024530, OMIM 158810.

Submission:

Labcorp Genetics (formerly Invitae), Labcorp
Classification: Uncertain significance for Bethlem myopathy 1A. Last evaluated: 2022-08-27. Review status: criteria provided, single submitter. Criteria: Invitae Variant Classification Sherloc (09022015). Collection method: clinical testing. Allele origin: germline.
Comment: This sequence change replaces cysteine, which is neutral and slightly polar, with serine, which is neutral and polar, at codon 216 of the COL6A3 protein (p.Cys216Ser). In summary, the available evidence is currently insufficient to determine the role of this variant in disease. Therefore, it has been classified as a Variant of Uncertain Significance. Advanced modeling of protein sequence and biophysical properties (such as structural, functional, and spatial information, amino acid conservation, physicochemical variation, residue mobility, and thermodynamic stability) performed at Invitae indicates that this missense variant is not expected to disrupt COL6A3 protein function. This variant has not been reported in the literature in individuals affected with COL6A3-related conditions. This variant is not present in population databases (gnomAD no frequency).